The following is an entry in ClinVar:

ClinVar aggregate classification (germline): Uncertain significance (1 of 4 stars; one submission).

Allele frequency attached by ClinVar (database versions not stated): TOPMed 0.00001.

Submission:

Labcorp Genetics (formerly Invitae), Labcorp
Classification: Uncertain significance. Last evaluated: 2022-09-13. Review status: criteria provided, single submitter. Criteria: Invitae Variant Classification Sherloc (09022015). Collection method: clinical testing. Allele origin: germline.
Comment: In summary, the available evidence is currently insufficient to determine the role of this variant in disease. Therefore, it has been classified as a Variant of Uncertain Significance. Algorithms developed to predict the effect of missense changes on protein structure and function are either unavailable or do not agree on the potential impact of this missense change (SIFT: "Deleterious"; PolyPhen-2: "Probably Damaging"; Align-GVGD: "Class C0"). This variant has not been reported in the literature in individuals affected with ERBIN-related conditions. This variant is not present in population databases (gnomAD no frequency). This sequence change replaces arginine, which is basic and polar, with glutamine, which is neutral and polar, at codon 1408 of the ERBIN protein (p.Arg1408Gln).

NM_001253697.2(ERBIN):c.4223G>A (p.Arg1408Gln)

Gene: ERBIN (erbb2 interacting protein; plus strand). Cytogenetic location: 5q12.3.
Variant type: single nucleotide variant.
Coding change: c.4223G>A on transcript NM_001253697.2 (MANE Select); coding-DNA position 4223, G replaced by A.
Protein change: p.Arg1408Gln; replaces arginine 1408 with glutamine.
Molecular consequence: missense variant.
Genome position (GRCh38, 1-based): chr5:66,078,514, G>A. VCF-style: chr5-66078514-G-A. GRCh37 (hg19) VCF-style: chr5-65374342-G-A.
Other names: c.3893G>A, p.Arg1298Gln (NM_001006600.3); c.4025G>A, p.Arg1342Gln (NM_001253698.2); c.4244G>A, p.Arg1415Gln (NM_001253699.2); c.4088G>A, p.Arg1363Gln (NM_001253701.2); c.4100G>A, p.Arg1367Gln (NM_018695.4); short protein forms R1298Q, R1342Q, R1363Q, R1367Q, R1408Q, R1415Q.
Identifiers: ClinVar variation 1719321 (VCV001719321.5), dbSNP rs1406049933, ClinGen allele CA359871938.